The following is an entry in ClinVar:

NM_001199107.2(TBC1D24):c.837G>A (p.Thr279=)

Gene: TBC1D24 (TBC1 domain family member 24; plus strand). Cytogenetic location: 16p13.3.
Variant type: single nucleotide variant.
Coding change: c.837G>A on transcript NM_001199107.2 (MANE Select); coding-DNA position 837, G replaced by A.
Protein change: p.Thr279=; no amino-acid change (threonine 279 retained).
Molecular consequence: synonymous variant.
Genome position (GRCh38, 1-based): chr16:2,496,985, G>A. VCF-style: chr16-2496985-G-A. GRCh37 (hg19) VCF-style: chr16-2546986-G-A.
Other names: c.837G>A, p.Thr279= (NM_020705.3).
Identifiers: ClinVar variation 3032581 (VCV003032581.4), dbSNP rs368286737, ClinGen allele CA7844083.

ClinVar aggregate classification (germline): Likely benign. Review status: criteria provided, single submitter (1 of 4 stars). 2 submissions from 2 submitters: Likely benign (1). 1 of the submissions does not count toward it. Last evaluated 2025-01-27.

Conditions:
TBC1D24-related disorder. Also called: TBC1D24-related condition; TBC1D24-related disorders. Identifiers: MedGen CN381194.
Autosomal dominant nonsyndromic hearing loss 65. Also called: Deafness, autosomal dominant 65; TBC1D24-Related Autosomal Dominant Nonsyndromic Hearing Loss (DFNA). Identifiers: Orphanet 90635, MedGen C3892048, MONDO:0014470, OMIM 616044.
Developmental and epileptic encephalopathy, 1 (DEE1). Also called: INFANTILE SPASM SYNDROME, X-LINKED 1; X-linked infantile spasms; West's syndrome; Tonic spasms with clustering, arrest of psychomotor development and hypsarrhythmia on EEG; X-Linked Infantile Spasm Syndrome; OHTAHARA SYNDROME, X-LINKED. Identifiers: MedGen C3463992, MONDO:0010632, OMIM 308350. Disease mechanism: loss of function.

Allele frequency attached by ClinVar (database versions not stated): TOPMed below 0.00001; ExAC 0.00001; gnomAD 0.00001; ESP Exome Variant Server 0.00008.

Submissions (2):

Labcorp Genetics (formerly Invitae), Labcorp
Classification: Likely benign for Developmental and epileptic encephalopathy, 1; Autosomal dominant nonsyndromic hearing loss 65. Last evaluated: 2025-01-27. Review status: criteria provided, single submitter. Criteria: Invitae Variant Classification Sherloc (09022015). Collection method: clinical testing. Allele origin: germline.

PreventionGenetics, part of Exact Sciences
Classification: Likely benign for TBC1D24-related condition. Last evaluated: 2020-10-26. Review status: no assertion criteria provided. Collection method: clinical testing. Allele origin: germline. Not counted in ClinVar's aggregate classification.
Comment: This variant is classified as likely benign based on ACMG/AMP sequence variant interpretation guidelines (Richards et al. 2015 PMID: 25741868, with internal and published modifications).